The following is an entry in ClinVar:

NM_021930.6(RINT1):c.1496C>T (p.Ala499Val)

Gene: RINT1 (RAD50 interactor 1; plus strand). Cytogenetic location: 7q22.3.
Variant type: single nucleotide variant.
Coding change: c.1496C>T on transcript NM_021930.6 (MANE Select); coding-DNA position 1496, C replaced by T.
Protein change: p.Ala499Val; replaces alanine 499 with valine.
Molecular consequence: missense variant.
Genome position (GRCh38, 1-based): chr7:105,555,052, C>T. VCF-style: chr7-105555052-C-T. GRCh37 (hg19) VCF-style: chr7-105195499-C-T.
Other names: c.1496C>T (NM_021930.4); c.1262C>T, p.Ala421Val (NM_001346599.2); c.473C>T, p.Ala158Val (NM_001346600.2, NM_001346603.2); c.572C>T, p.Ala191Val (NM_001346601.2); short protein forms A158V, A191V, A421V, A499V.
Identifiers: ClinVar variation 2138793 (VCV002138793.7), dbSNP rs745700113, ClinGen allele CA4426701.
Genomic context (GRCh38, chr7:105,555,052, plus strand): 5'-CAAAACCTTCATATGTCTTAATAACTTTTTCCACAGACAGGTATAAAAATCTTCCCACAG[C>T]TTCCCGAAAGCTTCAGTTCCTGGAGTTACAGAAGGACTTAGTAGATGATTTTAGGATACG-3'
Protein context (NP_068749.3, residues 489-509): ITDRYKNLPT[Ala499Val]SRKLQFLELQ

ClinVar aggregate classification (germline): Uncertain significance. Review status: criteria provided, multiple submitters, no conflicts (2 of 4 stars). 2 submissions from 2 submitters: Uncertain significance (2). Last evaluated 2025-07-21.

Allele frequency attached by ClinVar (database versions not stated): gnomAD exomes below 0.00001; ExAC 0.00001; gnomAD 0.00001.
gnomAD v4.1: 2 of 1,613,734 alleles (0.00012%); no homozygotes.

Submissions (2):

Ambry Genetics
Classification: Uncertain significance. Last evaluated: 2025-07-21. Review status: criteria provided, single submitter. Criteria: Ambry Variant Classification Scheme 2023. Collection method: clinical testing. Allele origin: germline.
Comment: The p.A499V variant (also known as c.1496C>T), located in coding exon 11 of the RINT1 gene, results from a C to T substitution at nucleotide position 1496. The alanine at codon 499 is replaced by valine, an amino acid with similar properties. This amino acid position is conserved. In addition, this alteration is predicted to be tolerated by in silico analysis. Since supporting evidence is limited at this time, the clinical significance of this alteration remains unclear.

Labcorp Genetics (formerly Invitae), Labcorp
Classification: Uncertain significance. Last evaluated: 2021-12-30. Review status: criteria provided, single submitter. Criteria: Invitae Variant Classification Sherloc (09022015). Collection method: clinical testing. Allele origin: germline.
Comment: In summary, the available evidence is currently insufficient to determine the role of this variant in disease. Therefore, it has been classified as a Variant of Uncertain Significance. Algorithms developed to predict the effect of missense changes on protein structure and function (SIFT, PolyPhen-2, Align-GVGD) all suggest that this variant is likely to be tolerated. This variant has not been reported in the literature in individuals affected with RINT1-related conditions. This variant is present in population databases (rs745700113, gnomAD 0.004%). This sequence change replaces alanine, which is neutral and non-polar, with valine, which is neutral and non-polar, at codon 499 of the RINT1 protein (p.Ala499Val).